The following is an entry in ClinVar:

NM_001197104.2(KMT2A):c.10622C>A (p.Pro3541Gln)

Gene: KMT2A (lysine methyltransferase 2A; plus strand). Cytogenetic location: 11q23.3.
Variant type: single nucleotide variant.
Coding change: c.10622C>A on transcript NM_001197104.2 (MANE Select); coding-DNA position 10622, C replaced by A.
Protein change: p.Pro3541Gln; replaces proline 3541 with glutamine.
Molecular consequence: missense variant.
Genome position (GRCh38, 1-based): chr11:118,506,514, C>A. VCF-style: chr11-118506514-C-A. GRCh37 (hg19) VCF-style: chr11-118377229-C-A.
Other names: c.10712C>A, p.Pro3571Gln (NM_001412597.1); c.10613C>A, p.Pro3538Gln (NM_005933.4); short protein forms P3538Q, P3541Q, P3571Q.
Identifiers: ClinVar variation 2703905 (VCV002703905.3), dbSNP rs1950586492, ClinGen allele CA382826503.
Genomic context (GRCh38, chr11:118,506,514, plus strand): 5'-CTCCATCTTCTGGACAGCGGTCAGCAAGCCCTTCAGTGCCGGGTCCCACTAAACCCAAAC[C>A]AAAAACCAAACGGTTTCAGCTGCCTCTAGACAAAGGGAATGGCAAGAAGCACAAAGTTTC-3'
Protein context (NP_001184033.1, residues 3531-3551): PSVPGPTKPK[Pro3541Gln]KTKRFQLPLD

ClinVar aggregate classification (germline): Uncertain significance (1 of 4 stars; one submission).

Submission:

Labcorp Genetics (formerly Invitae), Labcorp
Classification: Uncertain significance. Last evaluated: 2023-12-18. Review status: criteria provided, single submitter. Criteria: Invitae Variant Classification Sherloc (09022015). Collection method: clinical testing. Allele origin: germline.
Comment: This sequence change replaces proline, which is neutral and non-polar, with glutamine, which is neutral and polar, at codon 3541 of the KMT2A protein (p.Pro3541Gln). This variant is not present in population databases (gnomAD no frequency). This variant has not been reported in the literature in individuals affected with KMT2A-related conditions. Advanced modeling of protein sequence and biophysical properties (such as structural, functional, and spatial information, amino acid conservation, physicochemical variation, residue mobility, and thermodynamic stability) performed at Invitae indicates that this missense variant is not expected to disrupt KMT2A protein function with a negative predictive value of 95%. In summary, the available evidence is currently insufficient to determine the role of this variant in disease. Therefore, it has been classified as a Variant of Uncertain Significance.